The following is an entry in ClinVar:

ClinVar aggregate classification (germline): Uncertain significance (1 of 4 stars; one submission).

Allele frequency attached by ClinVar (database versions not stated): gnomAD exomes below 0.00001.
gnomAD v4.1: 2 of 1,614,204 alleles (0.00012%); highest among the groups gnomAD compares: Non-Finnish European, 0.00017%; no homozygotes.

Submission:

Biesecker Lab/Clinical Genomics Section, National Institutes of Health
Classification: Uncertain significance. Last evaluated: 2013-06-24. Review status: criteria provided, single submitter. Criteria: Ng et al. (Circ Cardiovasc Genet. 2013). Collection method: research. Allele origin: unknown. Observed: 1 variant allele. Study: ClinSeq.
Comment: The study set was not selected for affection status in relation to any cancer. Pathogenicity categories were based on literature curation. See Pubmed ID:23861362 for details.

Medical sequencing

NM_001386795.1(DTNA):c.1877G>A (p.Gly626Glu)

Gene: DTNA (dystrobrevin alpha; plus strand). Cytogenetic location: 18q12.1.
Variant type: single nucleotide variant.
Coding change: c.1877G>A on transcript NM_001386795.1 (MANE Select); coding-DNA position 1877, G replaced by A.
Protein change: p.Gly626Glu; replaces glycine 626 with glutamic acid.
Molecular consequence: missense variant.
Genome position (GRCh38, 1-based): chr18:34,875,372, G>A. VCF-style: chr18-34875372-G-A. GRCh37 (hg19) VCF-style: chr18-32455336-G-A.
Other names: c.1616G>A, p.Gly539Glu (NM_001198938.2, NM_001198940.2, NM_001386753.1 and 5 more transcripts); c.1637G>A, p.Gly546Glu (NM_001198939.2); c.923G>A, p.Gly308Glu (NM_001198942.1); c.866G>A, p.Gly289Glu (NM_001198943.1); c.752G>A, p.Gly251Glu (NM_001198944.1); c.1706G>A, p.Gly569Glu (NM_001386754.1, NM_001386755.1, NM_001386756.1 and 3 more transcripts); c.1703G>A, p.Gly568Glu (NM_001386760.1); c.1625G>A, p.Gly542Glu (NM_001386761.1, NM_032975.4); and 5 more; short protein forms G542E, G599E, G251E, G308E, G546E, G247E, G289E, G539E.
Identifiers: ClinVar variation 191655 (VCV000191655.1), dbSNP rs200805008, ClinGen allele CA237172.